The following is an entry in ClinVar:

ClinVar aggregate classification (germline): Uncertain significance (1 of 4 stars; one submission).

Conditions:
Bethlem myopathy 1A. Also called: Bethlem Muscular Dystrophy; MYOPATHY, BENIGN CONGENITAL, WITH CONTRACTURES; Bethlem myopathy 1. Identifiers: Orphanet 610, MedGen CN029274, MONDO:0024530, OMIM 158810.

Submission:

Labcorp Genetics (formerly Invitae), Labcorp
Classification: Uncertain significance for Bethlem myopathy 1A. Last evaluated: 2025-01-15. Review status: criteria provided, single submitter. Criteria: Invitae Variant Classification Sherloc (09022015). Collection method: clinical testing. Allele origin: germline.
Comment: This sequence change replaces valine, which is neutral and non-polar, with glutamic acid, which is acidic and polar, at codon 945 of the COL6A2 protein (p.Val945Glu). This variant is not present in population databases (gnomAD no frequency). This missense change has been observed in individual(s) with clinical features of autosomal recessive COL6A2-related myopathy (internal data). In at least one individual the data is consistent with being in trans (on the opposite chromosome) from a pathogenic variant. ClinVar contains an entry for this variant (Variation ID: 1052548). Invitae Evidence Modeling of protein sequence and biophysical properties (such as structural, functional, and spatial information, amino acid conservation, physicochemical variation, residue mobility, and thermodynamic stability) indicates that this missense variant is expected to disrupt COL6A2 protein function with a positive predictive value of 80%. In summary, the available evidence is currently insufficient to determine the role of this variant in disease. Therefore, it has been classified as a Variant of Uncertain Significance.

NM_001849.4(COL6A2):c.2834T>A (p.Val945Glu)

Gene: COL6A2 (collagen type VI alpha 2 chain; plus strand). Cytogenetic location: 21q22.3.
Variant type: single nucleotide variant.
Coding change: c.2834T>A on transcript NM_001849.4 (MANE Select); coding-DNA position 2834, T replaced by A.
Protein change: p.Val945Glu; replaces valine 945 with glutamic acid.
Molecular consequence: missense variant.
Genome position (GRCh38, 1-based): chr21:46,132,326, T>A. VCF-style: chr21-46132326-T-A. GRCh37 (hg19) VCF-style: chr21-47552240-T-A.
Other names: short protein forms V945E.
Identifiers: ClinVar variation 1052548 (VCV001052548.9), dbSNP rs2123455553, ClinGen allele CA410549842.